The following is an entry in ClinVar:

NM_001385012.1(NBEA):c.2342A>G (p.Lys781Arg)

Gene: NBEA (neurobeachin; plus strand). Cytogenetic location: 13q13.3.
Variant type: single nucleotide variant.
Coding change: c.2342A>G on transcript NM_001385012.1 (MANE Select); coding-DNA position 2342, A replaced by G.
Protein change: p.Lys781Arg; replaces lysine 781 with arginine.
Molecular consequence: missense variant.
Genome position (GRCh38, 1-based): chr13:35,142,274, A>G. VCF-style: chr13-35142274-A-G. GRCh37 (hg19) VCF-style: chr13-35716411-A-G.
Other names: c.2342A>G, p.Lys781Arg (NM_001379245.1, NM_015678.5); short protein forms K781R.
Identifiers: ClinVar variation 4682063 (VCV004682063.5).

ClinVar aggregate classification (germline): Uncertain significance (1 of 4 stars; one submission).

Submission:

CeGaT Center for Human Genetics Tuebingen
Classification: Uncertain significance. Last evaluated: 2025-12-01. Review status: criteria provided, single submitter. Criteria: CeGaT Center For Human Genetics Tuebingen Variant Classification Criteria Version 2. Collection method: clinical testing. Allele origin: germline. Affected: yes. Observed: 1 variant allele.
Comment: NBEA: PM2